The following is an entry in ClinVar:

NM_000426.4(LAMA2):c.5487G>C (p.Glu1829Asp)

Gene: LAMA2 (laminin subunit alpha 2; plus strand). Cytogenetic location: 6q22.33.
Variant type: single nucleotide variant.
Coding change: c.5487G>C on transcript NM_000426.4 (MANE Select); coding-DNA position 5487, G replaced by C.
Protein change: p.Glu1829Asp; replaces glutamic acid 1829 with aspartic acid.
Molecular consequence: missense variant.
Genome position (GRCh38, 1-based): chr6:129,401,265, G>C. VCF-style: chr6-129401265-G-C. GRCh37 (hg19) VCF-style: chr6-129722410-G-C.
Other names: c.5487G>C (NM_000426.3); c.5487G>C, p.Glu1829Asp (NM_001079823.2); short protein forms E1829D.
Identifiers: ClinVar variation 1508314 (VCV001508314.6), dbSNP rs866449854, ClinGen allele CA365615211.

ClinVar aggregate classification (germline): Uncertain significance. Review status: criteria provided, multiple submitters, no conflicts (2 of 4 stars). 2 submissions from 2 submitters: Uncertain significance (2). Last evaluated 2025-04-03.

Conditions:
LAMA2-related muscular dystrophy (LAMA2-RD). Also called: Laminin alpha 2-related dystrophy. Identifiers: MedGen C5679788, MONDO:0100228.

gnomAD v4.1: 1 of 1,612,656 alleles (0.000062%); highest among the groups gnomAD compares: African/African-American, 0.0013%; no homozygotes.

Submissions (2):

Revvity Omics, Revvity
Classification: Uncertain significance. Last evaluated: 2025-04-03. Review status: criteria provided, single submitter. Criteria: ACMG Guidelines, 2015. Collection method: clinical testing. Allele origin: germline.

Labcorp Genetics (formerly Invitae), Labcorp
Classification: Uncertain significance for LAMA2-related muscular dystrophy. Last evaluated: 2022-10-25. Review status: criteria provided, single submitter. Criteria: Invitae Variant Classification Sherloc (09022015). Collection method: clinical testing. Allele origin: germline.
Comment: This sequence change replaces glutamic acid, which is acidic and polar, with aspartic acid, which is acidic and polar, at codon 1829 of the LAMA2 protein (p.Glu1829Asp). This variant is not present in population databases (gnomAD no frequency). This variant has not been reported in the literature in individuals affected with LAMA2-related conditions. ClinVar contains an entry for this variant (Variation ID: 1508314). Advanced modeling of protein sequence and biophysical properties (such as structural, functional, and spatial information, amino acid conservation, physicochemical variation, residue mobility, and thermodynamic stability) performed at Invitae indicates that this missense variant is not expected to disrupt LAMA2 protein function. In summary, the available evidence is currently insufficient to determine the role of this variant in disease. Therefore, it has been classified as a Variant of Uncertain Significance.